The following is an entry in ClinVar:

NM_001134407.3(GRIN2A):c.3637C>T (p.His1213Tyr)

Gene: GRIN2A (glutamate ionotropic receptor NMDA type subunit 2A; minus strand). Cytogenetic location: 16p13.2.
Variant type: single nucleotide variant.
Coding change: c.3637C>T on transcript NM_001134407.3 (MANE Select); coding-DNA position 3637, C replaced by T.
Protein change: p.His1213Tyr; replaces histidine 1213 with tyrosine.
Molecular consequence: missense variant.
Genome position (GRCh38, 1-based): chr16:9,763,907, G>A on the plus strand (C>T on the coding strand, the complement: GRIN2A is on the minus strand). VCF-style: chr16-9763907-G-A. GRCh37 (hg19) VCF-style: chr16-9857764-G-A.
Other names: c.3637C>T, p.His1213Tyr (NM_000833.5, NM_001134408.2); short protein forms H1213Y.
Identifiers: ClinVar variation 2340875 (VCV002340875.3), dbSNP rs757691776, ClinGen allele CA7896273.
Genomic context (GRCh38, chr16:9,763,907, plus strand): 5'-GGGACCTCATGGTGAAGTGGCCTGAATAGGTGGGCATGTTGGAAAGGCAGCTTCTGCAGT[G>A]CGTGGAGTTCTGCCGGTATCGCTCGCTGGTCTCACTGTGCGGGGAACCCTTGTCTTTCAA-3'
Protein context (NP_001127879.1, residues 1203-1223): TSERYRQNST[His1213Tyr]CRSCLSNMPT

ClinVar aggregate classification (germline): Uncertain significance (1 of 4 stars; one submission).

Conditions:
Inborn genetic diseases. Identifiers: MedGen C0950123, MeSH D030342.

Allele frequency attached by ClinVar (database versions not stated): gnomAD exomes below 0.00001; TOPMed below 0.00001; ExAC 0.00001; gnomAD 0.00001.
gnomAD v4.1: 5 of 1,614,046 alleles (0.00031%); highest among the groups gnomAD compares: Non-Finnish European, 0.00042%; no homozygotes.

Submission:

Ambry Genetics
Classification: Uncertain significance for Inborn genetic diseases. Last evaluated: 2023-02-17. Review status: criteria provided, single submitter. Criteria: Ambry Variant Classification Scheme 2023. Collection method: clinical testing. Allele origin: germline.
Comment: The c.3637C>T (p.H1213Y) alteration is located in exon 14 (coding exon 12) of the GRIN2A gene. This alteration results from a C to T substitution at nucleotide position 3637, causing the histidine (H) at amino acid position 1213 to be replaced by a tyrosine (Y). Based on data from gnomAD, the T allele has an overall frequency of <0.001% (1/251424) total alleles studied. The highest observed frequency was 0.001% (1/113712) of European (non-Finnish) alleles. This amino acid position is highly conserved in available vertebrate species. This alteration is predicted to be tolerated by in silico analysis. Based on insufficient or conflicting evidence, the clinical significance of this alteration remains unclear.